The following is an entry in ClinVar:

NM_000155.4(GALT):c.200_201delinsAA (p.Arg67Gln)

Genes: GALT (galactose-1-phosphate uridylyltransferase; plus strand), LOC130001683 (ATAC-STARR-seq lymphoblastoid active region 28314; plus strand). Cytogenetic location: 9p13.3.
Variant type: Indel.
Coding change: c.200_201delinsAA on transcript NM_000155.4 (MANE Select); coding-DNA positions 200 to 201, GC replaced by AA.
Protein change: p.Arg67Gln; replaces arginine 67 with glutamine.
Molecular consequence: missense variant. On other transcripts: 5 prime UTR variant (1).
Genome position (GRCh38, 1-based): chr9:34,647,206-34,647,207, GC replaced by AA. VCF-style: chr9-34647206-GC-AA. GRCh37 (hg19) VCF-style: chr9-34647203-GC-AA.
Other names: c.-3_-2delinsAA (NM_001258332.2); short protein forms R67Q.
Identifiers: ClinVar variation 3896426 (VCV003896426.2).

ClinVar aggregate classification (germline): Uncertain significance (1 of 4 stars; one submission).

Submission:

Women's Health and Genetics/Laboratory Corporation of America, LabCorp
Classification: Uncertain significance. Last evaluated: 2025-04-08. Review status: criteria provided, single submitter. Criteria: LabCorp Variant Classification Summary - May 2015. Collection method: clinical testing. Allele origin: germline.
Comment: Variant summary: GALT c.200_201delinsAA (p.Arg67Gln) results in a conservative amino acid change in the encoded protein sequence. The variant was absent in 282710 control chromosomes (gnomAD). The available data on variant occurrences in the general population are insufficient to allow any conclusion about variant significance. To our knowledge, no occurrence of c.200_201delinsAA in individuals affected with Galactosemia and no experimental evidence demonstrating its impact on protein function have been reported. A different variant affecting the same codon has been classified as pathogenic by our lab (c.199C>T, p.Arg67Cys), supporting the critical relevance of codon 67 to GALT protein function. No submitters have cited clinical-significance assessments for this variant to ClinVar. Based on the evidence outlined above, the variant was classified as uncertain significance.